The following is an entry in ClinVar:

NM_001378414.1(HDAC4):c.3046G>A (p.Ala1016Thr)

Gene: HDAC4 (histone deacetylase 4; minus strand). Cytogenetic location: 2q37.3.
Variant type: single nucleotide variant.
Coding change: c.3046G>A on transcript NM_001378414.1 (MANE Select); coding-DNA position 3046, G replaced by A.
Protein change: p.Ala1016Thr; replaces alanine 1016 with threonine.
Molecular consequence: missense variant.
Genome position (GRCh38, 1-based): chr2:239,054,791, C>T on the plus strand (G>A on the coding strand, the complement: HDAC4 is on the minus strand). VCF-style: chr2-239054791-C-T. GRCh37 (hg19) VCF-style: chr2-239976487-C-T.
Other names: c.3046G>A, p.Ala1016Thr (NM_001378415.1); c.3031G>A, p.Ala1011Thr (NM_001378416.1, NM_001378417.1, NM_006037.4); short protein forms A1011T, A1016T.
Identifiers: ClinVar variation 702721 (VCV000702721.5), dbSNP rs114831484, ClinGen allele CA2199061.

ClinVar aggregate classification (germline): Likely benign. Review status: criteria provided, single submitter (1 of 4 stars). 2 submissions from 2 submitters: Likely benign (1). 1 of the submissions does not count toward it. Last evaluated 2018-05-18.

Conditions:
HDAC4-related disorder. Also called: HDAC4-related condition.

Allele frequency attached by ClinVar (database versions not stated): gnomAD 0.00004 and 0.00006; TOPMed 0.00013; gnomAD exomes 0.00023; ExAC 0.00025; 1000 Genomes Project 30x 0.00047; 1000 Genomes Project 0.00060.
gnomAD v4.1: 87 of 1,613,720 alleles (0.0054%); highest among the groups gnomAD compares: East Asian, 0.18%; no homozygotes.

Submissions (2):

Labcorp Genetics (formerly Invitae), Labcorp
Classification: Likely benign. Last evaluated: 2018-05-18. Review status: criteria provided, single submitter. Criteria: Invitae Variant Classification Sherloc (09022015). Collection method: clinical testing. Allele origin: germline.

PreventionGenetics, part of Exact Sciences
Classification: Likely benign for HDAC4-related condition. Last evaluated: 2019-06-26. Review status: no assertion criteria provided. Collection method: clinical testing. Allele origin: germline. Not counted in ClinVar's aggregate classification.
Comment: This variant is classified as likely benign based on ACMG/AMP sequence variant interpretation guidelines (Richards et al. 2015 PMID: 25741868, with internal and published modifications).